The following is an entry in ClinVar:

NM_000283.4(PDE6B):c.1342G>A (p.Ala448Thr)

Gene: PDE6B (phosphodiesterase 6B; plus strand). Cytogenetic location: 4p16.3.
Variant type: single nucleotide variant.
Coding change: c.1342G>A on transcript NM_000283.4 (MANE Select); coding-DNA position 1342, G replaced by A.
Protein change: p.Ala448Thr; replaces alanine 448 with threonine.
Molecular consequence: missense variant.
Genome position (GRCh38, 1-based): chr4:657,435, G>A. VCF-style: chr4-657435-G-A. GRCh37 (hg19) VCF-style: chr4-651224-G-A.
Other names: c.1342G>A, p.Ala448Thr (NM_001145291.2); c.505G>A, p.Ala169Thr (NM_001145292.2, NM_001350154.3, NM_001379246.1 and 1 more transcripts); c.187G>A, p.Ala63Thr (NM_001350155.3); short protein forms A448T, A63T, A169T.
Identifiers: ClinVar variation 1423211 (VCV001423211.8), dbSNP rs779139841, ClinGen allele CA2794456.
Genomic context (GRCh38, chr4:657,435, plus strand): 5'-TCAGTGATGAACACCGACACCTACGACAAGATGAACAAGCTGGAGAACCGCAAGGACATC[G>A]CACAGGACATGGTCCTTTACCACGTGAAGTGCGACAGGGACGAGATCCAGCTCATCCTGG-3'
Protein context (NP_000274.3, residues 438-458): MNKLENRKDI[Ala448Thr]QDMVLYHVKC

ClinVar aggregate classification (germline): Uncertain significance. Review status: criteria provided, multiple submitters, no conflicts (2 of 4 stars). 3 submissions from 3 submitters: Uncertain significance (3). Last evaluated 2025-01-06.

Conditions:
Retinal dystrophy. Also called: Inherited retinal dystrophy. Identifiers: Orphanet 71862, MedGen C0854723, MeSH D058499, MONDO:0019118, HP:0000556.

Allele frequency attached by ClinVar (database versions not stated): ExAC 0.00002; gnomAD 0.00002; gnomAD exomes 0.00002; TOPMed 0.00002.
gnomAD v4.1: 37 of 1,613,116 alleles (0.0023%); highest among the groups gnomAD compares: Non-Finnish European, 0.0029%; no homozygotes.

Submissions (3):

Labcorp Genetics (formerly Invitae), Labcorp
Classification: Uncertain significance. Last evaluated: 2025-01-06. Review status: criteria provided, single submitter. Criteria: Invitae Variant Classification Sherloc (09022015). Collection method: clinical testing. Allele origin: germline.
Comment: This sequence change replaces alanine, which is neutral and non-polar, with threonine, which is neutral and polar, at codon 448 of the PDE6B protein (p.Ala448Thr). This variant is present in population databases (rs779139841, gnomAD 0.004%). This variant has not been reported in the literature in individuals affected with PDE6B-related conditions. ClinVar contains an entry for this variant (Variation ID: 1423211). Invitae Evidence Modeling of protein sequence and biophysical properties (such as structural, functional, and spatial information, amino acid conservation, physicochemical variation, residue mobility, and thermodynamic stability) indicates that this missense variant is not expected to disrupt PDE6B protein function with a negative predictive value of 80%. In summary, the available evidence is currently insufficient to determine the role of this variant in disease. Therefore, it has been classified as a Variant of Uncertain Significance.

Blueprint Genetics
Classification: Uncertain significance. Last evaluated: 2024-10-07. Review status: criteria provided, single submitter. Criteria: ACMG Guidelines, 2015. Collection method: clinical testing. Allele origin: germline.

Dept Of Ophthalmology, Nagoya University
Classification: Uncertain significance for Retinal dystrophy. Last evaluated: 2023-10-01. Review status: criteria provided, single submitter. Criteria: Submitter's publication. Collection method: research. Allele origin: germline. Affected: yes.